The following is an entry in ClinVar:

ClinVar aggregate classification (germline): Uncertain significance. Review status: criteria provided, multiple submitters, no conflicts (2 of 4 stars). 2 submissions from 2 submitters: Uncertain significance (2). Last evaluated 2024-10-28.

Conditions:
Inborn genetic diseases. Identifiers: MedGen C0950123, MeSH D030342.

Allele frequency attached by ClinVar (database versions not stated): TOPMed 0.00003; gnomAD exomes 0.00004; gnomAD 0.00006; ExAC 0.00007.
gnomAD v4.1: 66 of 1,613,566 alleles (0.0041%); highest among the groups gnomAD compares: African/African-American, 0.013%; no homozygotes.

Submissions (2):

Ambry Genetics
Classification: Uncertain significance for Inborn genetic diseases. Last evaluated: 2024-10-28. Review status: criteria provided, single submitter. Criteria: Ambry Variant Classification Scheme 2023. Collection method: clinical testing. Allele origin: germline.

Labcorp Genetics (formerly Invitae), Labcorp
Classification: Uncertain significance. Last evaluated: 2022-05-11. Review status: criteria provided, single submitter. Criteria: Invitae Variant Classification Sherloc (09022015). Collection method: clinical testing. Allele origin: germline.
Comment: This sequence change replaces arginine, which is basic and polar, with cysteine, which is neutral and slightly polar, at codon 269 of the PLVAP protein (p.Arg269Cys). This variant is present in population databases (rs780468405, gnomAD 0.03%). This variant has not been reported in the literature in individuals affected with PLVAP-related conditions. Algorithms developed to predict the effect of missense changes on protein structure and function are either unavailable or do not agree on the potential impact of this missense change (SIFT: "Tolerated"; PolyPhen-2: "Probably Damaging"; Align-GVGD: "Class C0"). In summary, the available evidence is currently insufficient to determine the role of this variant in disease. Therefore, it has been classified as a Variant of Uncertain Significance.

NM_031310.3(PLVAP):c.805C>T (p.Arg269Cys)

Gene: PLVAP (plasmalemma vesicle associated protein; minus strand). Cytogenetic location: 19p13.11.
Variant type: single nucleotide variant.
Coding change: c.805C>T on transcript NM_031310.3 (MANE Select); coding-DNA position 805, C replaced by T.
Protein change: p.Arg269Cys; replaces arginine 269 with cysteine.
Molecular consequence: missense variant.
Genome position (GRCh38, 1-based): chr19:17,365,660, G>A on the plus strand (C>T on the coding strand, the complement: PLVAP is on the minus strand). VCF-style: chr19-17365660-G-A. GRCh37 (hg19) VCF-style: chr19-17476469-G-A.
Other names: c.805C>T (NM_031310.1); short protein forms R269C.
Identifiers: ClinVar variation 2067026 (VCV002067026.2), dbSNP rs780468405, ClinGen allele CA9293961.